The following is an entry in ClinVar:

NM_001267550.2(TTN):c.6436T>A (p.Ser2146Thr)

Gene: TTN (titin; minus strand). Cytogenetic location: 2q31.2.
Variant type: single nucleotide variant.
Coding change: c.6436T>A on transcript NM_001267550.2 (MANE Select); coding-DNA position 6436, T replaced by A.
Protein change: p.Ser2146Thr; replaces serine 2146 with threonine.
Molecular consequence: missense variant.
Genome position (GRCh38, 1-based): chr2:178,775,428, A>T on the plus strand (T>A on the coding strand, the complement: TTN is on the minus strand). VCF-style: chr2-178775428-A-T. GRCh37 (hg19) VCF-style: chr2-179640155-A-T.
Other names: c.6436T>A, p.Ser2146Thr (NM_001256850.1, NM_133378.4, NM_133379.5); c.6298T>A, p.Ser2100Thr (NM_003319.4, NM_133432.3, NM_133437.4); short protein forms S2100T, S2146T.
Identifiers: ClinVar variation 3899414 (VCV003899414.1).

ClinVar aggregate classification (germline): Uncertain significance (1 of 4 stars; one submission).

Submission:

GeneDx
Classification: Uncertain significance. Last evaluated: 2024-11-19. Review status: criteria provided, single submitter. Criteria: GeneDx Variant Classification Process June 2021. Collection method: clinical testing. Allele origin: germline. Affected: yes.
Comment: Not observed at significant frequency in large population cohorts (gnomAD); Missense variant in a gene in which most reported pathogenic variants are truncating/loss of function; Has not been previously published as pathogenic or benign to our knowledge